The following is an entry in ClinVar:

NM_022454.4(SOX17):c.910G>C (p.Gly304Arg)

Gene: SOX17 (SRY-box transcription factor 17; plus strand). Cytogenetic location: 8q11.23.
Variant type: single nucleotide variant.
Coding change: c.910G>C on transcript NM_022454.4 (MANE Select); coding-DNA position 910, G replaced by C.
Protein change: p.Gly304Arg; replaces glycine 304 with arginine.
Molecular consequence: missense variant.
Genome position (GRCh38, 1-based): chr8:54,459,660, G>C. VCF-style: chr8-54459660-G-C. GRCh37 (hg19) VCF-style: chr8-55372220-G-C.
Other names: short protein forms G304R.
Identifiers: ClinVar variation 3447467 (VCV003447467.2).

ClinVar aggregate classification (germline): Uncertain significance. Review status: criteria provided, multiple submitters, no conflicts (2 of 4 stars). 2 submissions from 2 submitters: Uncertain significance (2). Last evaluated 2025-06-24.

Conditions:
Inborn genetic diseases. Identifiers: MedGen C0950123, MeSH D030342.

gnomAD v4.1: 12 of 1,536,430 alleles (0.00078%); highest among the groups gnomAD compares: South Asian, 0.0024%; no homozygotes.

Submissions (2):

Labcorp Genetics (formerly Invitae), Labcorp
Classification: Uncertain significance. Last evaluated: 2025-06-24. Review status: criteria provided, single submitter. Criteria: Invitae Variant Classification Sherloc (09022015). Collection method: clinical testing. Allele origin: germline.
Comment: This sequence change replaces glycine, which is neutral and non-polar, with arginine, which is basic and polar, at codon 304 of the SOX17 protein (p.Gly304Arg). This variant is present in population databases (rs756723008, gnomAD 0.009%). This variant has not been reported in the literature in individuals affected with SOX17-related conditions. ClinVar contains an entry for this variant (Variation ID: 3447467). Invitae Evidence Modeling of protein sequence and biophysical properties (such as structural, functional, and spatial information, amino acid conservation, physicochemical variation, residue mobility, and thermodynamic stability) indicates that this missense variant is not expected to disrupt SOX17 protein function with a negative predictive value of 80%. In summary, the available evidence is currently insufficient to determine the role of this variant in disease. Therefore, it has been classified as a Variant of Uncertain Significance.

Ambry Genetics
Classification: Uncertain significance for Inborn genetic diseases. Last evaluated: 2024-12-07. Review status: criteria provided, single submitter. Criteria: Ambry Variant Classification Scheme 2023. Collection method: clinical testing. Allele origin: germline.